The following is an entry in ClinVar:

ClinVar aggregate classification (germline): Uncertain significance (1 of 4 stars; one submission).

Conditions:
Familial cold autoinflammatory syndrome 2 (FCAS2). Identifiers: Orphanet 247868, MedGen C2673198, MONDO:0012724, OMIM 611762.

Submission:

Labcorp Genetics (formerly Invitae), Labcorp
Classification: Uncertain significance for Familial cold autoinflammatory syndrome 2. Last evaluated: 2023-05-29. Review status: criteria provided, single submitter. Criteria: Invitae Variant Classification Sherloc (09022015). Collection method: clinical testing. Allele origin: unknown.
Comment: In summary, the available evidence is currently insufficient to determine the role of this variant in disease. Therefore, it has been classified as a Variant of Uncertain Significance. This variant has not been reported in the literature in individuals affected with NLRP12-related conditions. This variant is a gross deletion of the genomic region encompassing exon(s) 1-6 of the NLRP12 gene, which includes the initiator codon. This deletion extends beyond the assayed region for this gene and therefore may encompass additional genes. It is expected to result in an absent or disrupted protein product. However, the current clinical and genetic evidence is not sufficient to establish whether loss-of-function variants in NLRP12 cause disease.

NC_000019.9:g.(?_54307186)_(54327428_?)del

Gene: NLRP12 (NLR family pyrin domain containing 12; minus strand). Cytogenetic location: 19q13.42.
Variant type: Deletion.
Identifiers: ClinVar variation 3248464 (VCV003248464.1).